The following is an entry in ClinVar:

ClinVar aggregate classification (germline): Uncertain significance (1 of 4 stars; one submission).

Conditions:
Polyglucosan body myopathy type 1 (PGBM1). Also called: Polyglucosan body myopathy 1 with or without immunodeficiency; POLYGLUCOSAN BODY MYOPATHY WITHOUT IMMUNODEFICIENCY. Identifiers: Orphanet 329173, Orphanet 397937, MedGen C4014605, MONDO:0014389, OMIM 615895.

Submission:

Labcorp Genetics (formerly Invitae), Labcorp
Classification: Uncertain significance for Polyglucosan body myopathy type 1. Last evaluated: 2018-09-05. Review status: criteria provided, single submitter. Criteria: Invitae Variant Classification Sherloc (09022015). Collection method: clinical testing. Allele origin: germline.
Comment: This variant has not been reported in the literature in individuals with RBCK1-related disease. The frequency data for this variant in the population databases is considered unreliable, as metrics indicate poor data quality at this position in the ExAC database. This variant, c.772_774delCAG, results in the deletion of 1 amino acid(s) of the RBCK1 protein (p.Gln258del), but otherwise preserves the integrity of the reading frame. Experimental studies and prediction algorithms are not available for this variant, and the functional significance of the affected amino acid(s) is currently unknown. In summary, the available evidence is currently insufficient to determine the role of this variant in disease. Therefore, it has been classified as a Variant of Uncertain Significance.

NM_031229.4(RBCK1):c.763CAG[3] (p.Gln258del)

Gene: RBCK1 (RANBP2-type and C3HC4-type zinc finger containing 1; plus strand). Cytogenetic location: 20p13.
Variant type: Microsatellite.
Coding change: c.763CAG[3] on transcript NM_031229.4 (MANE Select); three copies in a row of the 3-base unit CAG starting at c.763; the reference has four copies in a row; one copy, 3 bases deleted.
Protein change: p.Gln258del; deletes glutamine 258.
Molecular consequence: inframe deletion. On other transcripts: non-coding transcript variant (1), intron variant (2).
Genome position (GRCh38, 1-based): chr20:420,886-420,888, CAG deleted; deleting any 3 consecutive bases within chr20:420,875-420,888 gives the same sequence; the position shown is the placement nearest the transcript's 3' end. VCF-style (leftmost placement, unchanged base first): chr20-420874-AAGC-A. GRCh37 (hg19) VCF-style: chr20-401518-AAGC-A.
Other names: c.637CAG[3], p.Gln216del (NM_006462.6); c.407+1144AGC[3] (NM_001323956.2, NM_001323958.2); short protein forms Q258del, Q216del.
Identifiers: ClinVar variation 641514 (VCV000641514.6), dbSNP rs770767944, ClinGen allele CA9723194.
Genomic context (GRCh38, chr20:420,874, plus strand): 5'-GGTCTGACCCGCCCCCGAGGCCCTGACCCGCCCCGTGGCCCCGCCCCGTGTGCCCAGCGG[AAGC>A]AGCAGCAGCAGGAGGGGAACTACCTGCAGCACGTCCAGCTGGACCAGAGGAGCCTGGTGC-3'